The following is an entry in ClinVar:

NM_002905.5(RDH5):c.208C>T (p.Arg70Trp)

Genes: BLOC1S1-RDH5 (BLOC1S1-RDH5 readthrough; plus strand), RDH5 (retinol dehydrogenase 5; plus strand). Cytogenetic location: 12q13.2.
Variant type: single nucleotide variant.
Coding change: c.208C>T on transcript NM_002905.5 (MANE Select); coding-DNA position 208, C replaced by T.
Protein change: p.Arg70Trp; replaces arginine 70 with tryptophan.
Molecular consequence: missense variant.
Genome position (GRCh38, 1-based): chr12:55,721,392, C>T. VCF-style: chr12-55721392-C-T. GRCh37 (hg19) VCF-style: chr12-56115176-C-T.
Other names: c.208C>T, p.Arg70Trp (NM_001199771.3); short protein forms R70W.
Identifiers: ClinVar variation 636196 (VCV000636196.12), dbSNP rs1058635, ClinGen allele CA6616768.
Genomic context (GRCh38, chr12:55,721,392, plus strand): 5'-CAGAGAGGCTTCCGAGTCCTGGCCAGCTGCCTGACCCCCTCCGGGGCCGAGGACCTGCAG[C>T]GGGTGGCCTCCTCCCGCCTCCACACCACCCTGTTGGATATCACTGATCCCCAGAGCGTCC-3'
Protein context (NP_002896.2, residues 60-80): LTPSGAEDLQ[Arg70Trp]VASSRLHTTL

ClinVar aggregate classification (germline): Conflicting classifications of pathogenicity. Review status: criteria provided, conflicting classifications (1 of 4 stars). 7 submissions from 6 submitters: Likely pathogenic (3); Uncertain significance (3). 1 of the submissions does not count toward it. Last evaluated 2025-05-19.

Conditions:
Pigmentary retinal dystrophy. Also called: Fundus albipunctatus. Identifiers: Orphanet 227796, Orphanet 52427, MedGen C0311338, MONDO:0007639, OMIM 136880, HP:0030642.
Retinitis pigmentosa (RP). Identifiers: Orphanet 791, MedGen C0035334, MeSH D012174, MONDO:0019200, OMIM 268000. Inheritance: Autosomal dominant, autosomal recessive and X linked inheritance.
Optic atrophy. Identifiers: MedGen C0029124, MONDO:0003608, HP:0000648.
Retinal dystrophy. Also called: Inherited retinal dystrophy. Identifiers: Orphanet 71862, MedGen C0854723, MeSH D058499, MONDO:0019118, HP:0000556.

Allele frequency attached by ClinVar (database versions not stated): ExAC 0.00003; TOPMed 0.00004; gnomAD exomes 0.00007 and 0.00012; gnomAD 0.00008 and 0.00009.
gnomAD v4.1: 188 of 1,613,700 alleles (0.012%); highest among the groups gnomAD compares: Middle Eastern, 0.016%; no homozygotes.

Submissions (7):

Dasa
Classification: Uncertain significance. Last evaluated: 2025-05-19. Review status: criteria provided, single submitter. Criteria: DASA Assertion Criteria. Collection method: clinical testing. Allele origin: germline.
Comment: NM_002905.5(RDH5):c.208C>T (p.Arg70Trp) is a missense variant that results in the substitution of arginine with tryptophan. This variant has been reported in individuals with RDH5-related disorders (PMID: 30718709). Also, this variant is rare in population databases. Computational prediction algorithms are consistent with a benign effect. The currently available literature and clinical evidence are not sufficient to establish a definitive association between this variant and the reported condition. Therefore, this variant is classified as a variant of uncertain significance.

Blueprint Genetics
Classification: Uncertain significance. Last evaluated: 2024-09-12. Review status: criteria provided, single submitter. Criteria: ACMG Guidelines, 2015. Collection method: clinical testing. Allele origin: germline.

Labcorp Genetics (formerly Invitae), Labcorp
Classification: Uncertain significance. Last evaluated: 2022-09-07. Review status: criteria provided, single submitter. Criteria: Invitae Variant Classification Sherloc (09022015). Collection method: clinical testing. Allele origin: germline.
Comment: This sequence change replaces arginine, which is basic and polar, with tryptophan, which is neutral and slightly polar, at codon 70 of the RDH5 protein (p.Arg70Trp). This variant is present in population databases (rs1058635, gnomAD 0.01%). This missense change has been observed in individual(s) with retinitis pigmentosa (PMID: 30718709). ClinVar contains an entry for this variant (Variation ID: 636196). Algorithms developed to predict the effect of missense changes on protein structure and function are either unavailable or do not agree on the potential impact of this missense change (SIFT: "Deleterious"; PolyPhen-2: "Possibly Damaging"; Align-GVGD: "Class C0"). Algorithms developed to predict the effect of sequence changes on RNA splicing suggest that this variant may create or strengthen a splice site. In summary, the available evidence is currently insufficient to determine the role of this variant in disease. Therefore, it has been classified as a Variant of Uncertain Significance.

Institute of Human Genetics, Univ. Regensburg, Univ. Regensburg
Classification: Likely pathogenic for Optic atrophy. Last evaluated: 2022-01-01. Review status: criteria provided, single submitter. Criteria: ACMG Guidelines, 2015. Collection method: clinical testing. Allele origin: germline. Affected: yes.

Institute of Human Genetics, Univ. Regensburg, Univ. Regensburg
Classification: Likely pathogenic for Retinal dystrophy. Last evaluated: 2022-01-01. Review status: criteria provided, single submitter. Criteria: ACMG Guidelines, 2015. Collection method: clinical testing. Allele origin: germline. Affected: yes.

Centre for Mendelian Genomics, University Medical Centre Ljubljana
Classification: Likely pathogenic for Pigmentary retinal dystrophy. Last evaluated: 2020-03-23. Review status: criteria provided, single submitter. Criteria: ACMG Guidelines, 2015. Collection method: clinical testing. Allele origin: unknown. Affected: yes.
Comment: This variant was classified as: Likely pathogenic. The following ACMG criteria were applied in classifying this variant: PS1,PM2,PP3.

Department of Clinical Genetics, Copenhagen University Hospital, Rigshospitalet
Classification: Likely pathogenic for Retinitis pigmentosa. Last evaluated: 2018-04-01. Review status: no assertion criteria provided. Collection method: research. Allele origin: unknown. Affected: yes. Study: VeluxRD. Not counted in ClinVar's aggregate classification.

Literature cited by the submitters: PubMed 30718709 (cited by 4 submitters).